The following is an entry in ClinVar:

NM_016592.5(GNAS):c.537G>A (p.Pro179=)

Genes: GNAS-AS1 (GNAS antisense RNA 1; minus strand), GNAS (GNAS complex locus; plus strand). Cytogenetic location: 20q13.32.
Variant type: single nucleotide variant.
Coding change: c.537G>A on transcript NM_016592.5 (MANE Plus Clinical); coding-DNA position 537, G replaced by A.
Protein change: p.Pro179=; no amino-acid change (proline 179 retained).
Molecular consequence: synonymous variant. On other transcripts: 5 prime UTR variant (1).
Genome position (GRCh38, 1-based): chr20:58,840,643, G>A. VCF-style: chr20-58840643-G-A. GRCh37 (hg19) VCF-style: chr20-57415698-G-A.
Other names: c.-201G>A (NM_001410912.1); c.537G>A (NM_016592.3).
Identifiers: ClinVar variation 1284575 (VCV001284575.16), dbSNP rs181594534, ClinGen allele CA9926354.

ClinVar aggregate classification (germline): Likely benign. Review status: criteria provided, multiple submitters, no conflicts (2 of 4 stars). 7 submissions from 7 submitters: Likely benign (4). 3 of the submissions do not count toward it. Last evaluated 2025-11-01.

Conditions:
Pseudohypoparathyroidism type 1C (PHP1C). Also called: Pseudohypoparathyroidism Ic (PHP-Ic); PSEUDOHYPOPARATHYROIDISM, TYPE IC; PHP IC. Identifiers: Orphanet 79444, MedGen C2932716, MONDO:0012911, OMIM 612462.
Progressive osseous heteroplasia (POH). Also called: Osseus Heteroplasia, Progressive; ECTOPIC OSSIFICATION, FAMILIAL; Progressive Osseus Heteroplasia (POH); Osteoma cutis. Identifiers: Orphanet 2762, MedGen C0334041, MONDO:0008153, OMIM 166350, HP:0025027.
ACTH-independent macronodular adrenal hyperplasia 1 (AIMAH1). Also called: CORTICOTROPIN-INDEPENDENT MACRONODULAR ADRENAL HYPERPLASIA; ACTH-INDEPENDENT MACRONODULAR ADRENOCORTICAL HYPERPLASIA; ACTH-independent macronodular adrenal hyperplasia, somatic; CUSHING SYNDROME, ADRENAL, DUE TO AIMAH; ADRENOCORTICOTROPIC HORMONE-INDEPENDENT MACRONODULAR ADRENAL HYPERPLASIA. Identifiers: MedGen C1857451, MONDO:0020735, OMIM 219080.
McCune-Albright syndrome (MAS). Also called: ALBRIGHT SYNDROME; McCune-Albright syndrome, somatic, mosaic; Albright's Syndrome; Albright's disease; Fibrous Dysplasia / McCune-Albright Syndrome. Identifiers: Orphanet 562, MedGen C0242292, MONDO:0018919, OMIM 174800.
Pseudohypoparathyroidism type 1B (PHP1B). Also called: PHP IB; Pseudohypoparathyroidism Ib (PHP-Ib); Pseudohypoparathyroidism Type IB. Identifiers: Orphanet 94089, MedGen C1864100, MONDO:0011301, OMIM 603233.
Pituitary adenoma 3, multiple types. Also called: PITUITARY ADENOMA 3, ACTH-SECRETING, SOMATIC; PITUITARY ADENOMA 3, GROWTH HORMONE-SECRETING, SOMATIC. Identifiers: MedGen C4540135, MONDO:0054665, OMIM 617686.
Pseudohypoparathyroidism type I A (PHP1A). Also called: Pseudohypoparathyroidism Type IA; ALBRIGHT HEREDITARY OSTEODYSTROPHY WITH MULTIPLE HORMONE RESISTANCE; PHP IA; Pseudohypoparathyroidism type 1A; Pseudohypoparathyroidism Ia (PHP-Ia). Identifiers: Orphanet 79443, MedGen C3494506, MONDO:0007078, OMIM 103580.
Pseudopseudohypoparathyroidism (PPHP). Also called: Pseudopseudohypoparathyroidism (PPHP); ALBRIGHT HEREDITARY OSTEODYSTROPHY WITHOUT MULTIPLE HORMONE RESISTANCE. Identifiers: Orphanet 79445, MedGen C0033835, MONDO:0012912, OMIM 612463.
GNAS-related disorder. Identifiers: MedGen CN380105.

Allele frequency attached by ClinVar (database versions not stated): 1000 Genomes Project 0.00120; ExAC 0.00081; TOPMed 0.00002; gnomAD 0.00011; gnomAD exomes 0.00028 and 0.00072; 1000 Genomes Project 30x 0.00094.
gnomAD v4.1: 431 of 1,606,386 alleles (0.027%); highest among the groups gnomAD compares: South Asian, 0.44%; 4 homozygotes.

Submissions (7):

CeGaT Center for Human Genetics Tuebingen
Classification: Likely benign. Last evaluated: 2025-11-01. Review status: criteria provided, single submitter. Criteria: CeGaT Center For Human Genetics Tuebingen Variant Classification Criteria Version 2. Collection method: clinical testing. Allele origin: germline. Affected: yes. Observed: 1 variant allele.
Comment: GNAS: BP4, BP7

Blueprint Genetics
Classification: Likely benign. Last evaluated: 2024-10-23. Review status: criteria provided, single submitter. Criteria: ACMG Guidelines, 2015. Collection method: clinical testing. Allele origin: germline.

Fulgent Genetics
Classification: Likely benign for Pseudohypoparathyroidism type I A; Progressive osseous heteroplasia; McCune-Albright syndrome; ACTH-independent macronodular adrenal hyperplasia 1; Pseudohypoparathyroidism type 1B; Pseudohypoparathyroidism type 1C; Pseudopseudohypoparathyroidism; Pituitary adenoma 3, multiple types. Last evaluated: 2022-04-01. Review status: criteria provided, single submitter. Criteria: ACMG Guidelines, 2015. Collection method: clinical testing. Allele origin: unknown.

Breakthrough Genomics
Classification: Likely benign. Review status: criteria provided, single submitter. Criteria: ACMG Guidelines, 2015. Collection method: not provided. Allele origin: germline. Inheritance: Autosomal dominant inheritance. Affected: yes.

PreventionGenetics, part of Exact Sciences
Classification: Benign for GNAS-related condition. Last evaluated: 2021-01-08. Review status: no assertion criteria provided. Collection method: clinical testing. Allele origin: germline. Not counted in ClinVar's aggregate classification.
Comment: This variant is classified as benign based on ACMG/AMP sequence variant interpretation guidelines (Richards et al. 2015 PMID: 25741868, with internal and published modifications).

Clinical Genetics DNA and cytogenetics Diagnostics Lab, Erasmus MC, Erasmus Medical Center
Classification: Likely benign. Review status: no assertion criteria provided. Collection method: clinical testing. Allele origin: germline. Affected: yes. Study: VKGL Data-share Consensus. Not counted in ClinVar's aggregate classification.

Clinical Genetics, Academic Medical Center
Classification: Benign. Review status: no assertion criteria provided. Collection method: clinical testing. Allele origin: germline. Affected: yes. Study: VKGL Data-share Consensus. Not counted in ClinVar's aggregate classification.